The following is an entry in ClinVar:

NM_002291.3(LAMB1):c.2773A>G (p.Ser925Gly)

Gene: LAMB1 (laminin subunit beta 1; minus strand). Cytogenetic location: 7q31.1.
Variant type: single nucleotide variant.
Coding change: c.2773A>G on transcript NM_002291.3 (MANE Select); coding-DNA position 2773, A replaced by G.
Protein change: p.Ser925Gly; replaces serine 925 with glycine.
Molecular consequence: missense variant.
Genome position (GRCh38, 1-based): chr7:107,955,548, T>C on the plus strand (A>G on the coding strand, the complement: LAMB1 is on the minus strand). VCF-style: chr7-107955548-T-C. GRCh37 (hg19) VCF-style: chr7-107595993-T-C.
Other names: short protein forms S925G.
Identifiers: ClinVar variation 4709243 (VCV004709243.1).

ClinVar aggregate classification (germline): Uncertain significance (1 of 4 stars; one submission).

gnomAD v4.1: 5 of 1,614,028 alleles (0.00031%); highest among the groups gnomAD compares: African/African-American, 0.0053%; no homozygotes.

Submission:

Labcorp Genetics (formerly Invitae), Labcorp
Classification: Uncertain significance. Last evaluated: 2025-08-17. Review status: criteria provided, single submitter. Criteria: Invitae Variant Classification Sherloc (09022015). Collection method: clinical testing. Allele origin: germline.
Comment: This sequence change replaces serine, which is neutral and polar, with glycine, which is neutral and non-polar, at codon 925 of the LAMB1 protein (p.Ser925Gly). This variant is present in population databases (no rsID available, gnomAD 0.02%). This variant has not been reported in the literature in individuals affected with LAMB1-related conditions. An algorithm developed to predict the effect of missense changes on protein structure and function (PolyPhen-2) suggests that this variant is likely to be disruptive. In summary, the available evidence is currently insufficient to determine the role of this variant in disease. Therefore, it has been classified as a Variant of Uncertain Significance.